The following is an entry in ClinVar:

ClinVar aggregate classification (germline): Uncertain significance. Review status: criteria provided, multiple submitters, no conflicts (2 of 4 stars). 3 submissions from 3 submitters: Uncertain significance (2). 1 of the submissions does not count toward it. Last evaluated 2022-03-18.

Conditions:
Neuromuscular disease caused by qualitative or quantitative defects of dysferlin. Also called: Qualitative or quantitative defects of dysferlin; Dysferlinopathy. Identifiers: Orphanet 207073, MedGen C2931687, MONDO:0016145.
Autosomal recessive limb-girdle muscular dystrophy type 2B (LGMDR2). Also called: Limb-girdle muscular dystrophy, type 2B; MUSCULAR DYSTROPHY, LIMB-GIRDLE, AUTOSOMAL RECESSIVE 2; Limb-Girdle Muscular Dystrophy Type 2B (LGMD2B); MUSCULAR DYSTROPHY, LIMB-GIRDLE, TYPE 3. Identifiers: Orphanet 268, MedGen C1850889, MONDO:0009676, OMIM 253601.

gnomAD v4.1: 36 of 1,614,062 alleles (0.0022%); highest among the groups gnomAD compares: Non-Finnish European, 0.003%; no homozygotes.

Submissions (3):

Labcorp Genetics (formerly Invitae), Labcorp
Classification: Uncertain significance for Neuromuscular disease caused by qualitative or quantitative defects of dysferlin. Last evaluated: 2022-03-18. Review status: criteria provided, single submitter. Criteria: Invitae Variant Classification Sherloc (09022015). Collection method: clinical testing. Allele origin: germline.
Comment: This sequence change replaces proline, which is neutral and non-polar, with histidine, which is basic and polar, at codon 1400 of the DYSF protein (p.Pro1400His). This variant is present in population databases (no rsID available, gnomAD 0.002%). This variant has not been reported in the literature in individuals affected with DYSF-related conditions. ClinVar contains an entry for this variant (Variation ID: 934608). Advanced modeling of protein sequence and biophysical properties (such as structural, functional, and spatial information, amino acid conservation, physicochemical variation, residue mobility, and thermodynamic stability) performed at Invitae indicates that this missense variant is expected to disrupt DYSF protein function. In summary, the available evidence is currently insufficient to determine the role of this variant in disease. Therefore, it has been classified as a Variant of Uncertain Significance.

Revvity Omics, Revvity
Classification: Uncertain significance. Last evaluated: 2020-02-12. Review status: criteria provided, single submitter. Criteria: ACMG Guidelines, 2015. Collection method: clinical testing. Allele origin: germline.

Natera, Inc.
Classification: Uncertain significance for Limb-girdle muscular dystrophy type 2B. Last evaluated: 2020-11-23. Review status: no assertion criteria provided. Collection method: clinical testing. Allele origin: germline. Not counted in ClinVar's aggregate classification.

NM_001130987.2(DYSF):c.4253C>A (p.Pro1418His)

Gene: DYSF (dysferlin; plus strand). Cytogenetic location: 2p13.2.
Variant type: single nucleotide variant.
Coding change: c.4253C>A on transcript NM_001130987.2 (MANE Select); coding-DNA position 4253, C replaced by A.
Protein change: p.Pro1418His; replaces proline 1418 with histidine.
Molecular consequence: missense variant.
Genome position (GRCh38, 1-based): chr2:71,612,672, C>A. VCF-style: chr2-71612672-C-A. GRCh37 (hg19) VCF-style: chr2-71839802-C-A.
Other names: c.4160C>A, p.Pro1387His (NM_001130984.2, NM_001130986.2); c.4253C>A, p.Pro1418His (NM_001130985.2); c.4199C>A, p.Pro1400His (NM_003494.4, NM_001130978.2); c.4202C>A, p.Pro1401His (NM_001130455.2, NM_001130983.2); c.4157C>A, p.Pro1386His (NM_001130976.2, NM_001130977.2); c.4292C>A, p.Pro1431His (NM_001130979.2); c.4250C>A, p.Pro1417His (NM_001130980.2, NM_001130981.2); c.4295C>A, p.Pro1432His (NM_001130982.2); short protein forms P1386H, P1418H, P1401H, P1431H, P1432H, P1387H, P1400H, P1417H.
Identifiers: ClinVar variation 934608 (VCV000934608.7), dbSNP rs138268837, ClinGen allele CA49779936.
Genomic context (GRCh38, chr2:71,612,672, plus strand): 5'-GGCCAGTGCGTTCTTCCTCCTCCACCCAGATGCTGCCCAGGGAGGAGCTCTACTGCCCCC[C>A]CATCACCGTCAAGGTCATCGATAACCGCCAGTTTGGCCGCCGGCCTGTGGTGGGCCAGTG-3'
Protein context (NP_001124459.1, residues 1408-1428): MLPREELYCP[Pro1418His]ITVKVIDNRQ